The following is an entry in ClinVar:

ClinVar aggregate classification (germline): Uncertain significance (1 of 4 stars; one submission).

Conditions:
Hereditary cancer-predisposing syndrome. Also called: Hereditary Cancer Syndrome; Tumor predisposition; Hereditary neoplastic syndrome; Neoplastic Syndromes, Hereditary. Identifiers: Orphanet 140162, MedGen C0027672, MeSH D009386, MONDO:0015356.
Cardiovascular phenotype. Identifiers: MedGen CN230736.

Submission:

Ambry Genetics
Classification: Uncertain significance for Cardiovascular phenotype; Hereditary cancer-predisposing syndrome. Last evaluated: 2024-08-14. Review status: criteria provided, single submitter. Criteria: Ambry Variant Classification Scheme 2023. Collection method: clinical testing. Allele origin: germline.
Comment: The p.M992L variant (also known as c.2974A>C), located in coding exon 22 of the NF1 gene, results from an A to C substitution at nucleotide position 2974. The methionine at codon 992 is replaced by leucine, an amino acid with highly similar properties. This amino acid position is conserved. In addition, the in silico prediction for this alteration is inconclusive. Based on the available evidence, the clinical significance of this variant remains unclear.

NM_001042492.3(NF1):c.2974A>C (p.Met992Leu)

Gene: NF1 (neurofibromin 1; plus strand). Cytogenetic location: 17q11.2.
Variant type: single nucleotide variant.
Coding change: c.2974A>C on transcript NM_001042492.3 (MANE Select); coding-DNA position 2974, A replaced by C.
Protein change: p.Met992Leu; replaces methionine 992 with leucine.
Molecular consequence: missense variant.
Genome position (GRCh38, 1-based): chr17:31,229,958, A>C. VCF-style: chr17-31229958-A-C. GRCh37 (hg19) VCF-style: chr17-29556976-A-C.
Other names: c.2974A>C, p.Met992Leu (NM_000267.4); short protein forms M992L.
Identifiers: ClinVar variation 3404706 (VCV003404706.1).